The following is an entry in ClinVar:

NM_001754.5(RUNX1):c.65T>A (p.Ile22Lys)

Gene: RUNX1 (RUNX family transcription factor 1; minus strand). Cytogenetic location: 21q22.12.
Variant type: single nucleotide variant.
Coding change: c.65T>A on transcript NM_001754.5 (MANE Select); coding-DNA position 65, T replaced by A.
Protein change: p.Ile22Lys; replaces isoleucine 22 with lysine.
Molecular consequence: missense variant.
Genome position (GRCh38, 1-based): chr21:34,892,957, A>T on the plus strand (T>A on the coding strand, the complement: RUNX1 is on the minus strand). VCF-style: chr21-34892957-A-T. GRCh37 (hg19) VCF-style: chr21-36265254-A-T.
Other names: NM_001754.4(RUNX1):c.65T>A; NM_001754.5(RUNX1):c.65T>A; short protein forms I22K.
Identifiers: ClinVar variation 464002 (VCV000464002.19), dbSNP rs749430925, ClinGen allele CA10014634.

ClinVar aggregate classification (germline): Benign. Review status: reviewed by expert panel (3 of 4 stars). 5 submissions from 5 submitters: Benign (1). 4 of the submissions do not count toward it. Last evaluated 2025-05-02.

Conditions:
RUNX1-related disorder. Also called: RUNX1-related condition.
Hereditary thrombocytopenia and hematologic cancer predisposition syndrome. Identifiers: Orphanet 71290, MedGen CN281654, MONDO:0011071.
Inborn genetic diseases. Identifiers: MedGen C0950123, MeSH D030342.
Hereditary thrombocytopenia and hematological cancer predisposition syndrome associated with RUNX1. Also called: Familial Platelet Disorder with Propensity to Acute Myelogenous Leukemia; PLATELET DISORDER, ASPIRIN-LIKE; Familial thrombocytopenia with propensity to acute myelogenous leukemia; RUNX1 Familial Platelet Disorder with Associated Myeloid Malignancies. Identifiers: Orphanet 71290, MedGen C1832388, MeSH C563324, MONDO:0100083, OMIM 601399.

Allele frequency attached by ClinVar (database versions not stated): gnomAD 0.00002; TOPMed 0.00012; ExAC 0.00019.
gnomAD v4.1: 66 of 1,575,954 alleles (0.0042%); highest among the groups gnomAD compares: Admixed American, 0.11%; no homozygotes.

Submissions (5):

ClinGen Myeloid Malignancy Variant Curation Expert Panel
Classification: Benign for Hereditary thrombocytopenia and hematologic cancer predisposition syndrome. Last evaluated: 2025-05-02. Review status: reviewed by expert panel. Criteria: ClinGen MyeloMalig ACMG Specifications v2. Collection method: curation. Allele origin: germline. Inheritance: Autosomal dominant inheritance.
Comment: NM_001754.4(RUNX1):c.65T>A (p.Ile22Lys) is a missense variant which has a MAF of 0.001593 (56/35158 alleles) in the Latino subpopulation in gnomAD v2.1.1, meeting the threshold for BA1. It also has a REVEL score < 0.50 (0.271) and a SpliceAI score ≤ 0.20 (0.04) (BP4). In summary, this variant meets criteria to be classified as benign. ACMG/AMP criteria applied, as specified by the Myeloid Malignancy Variant Curation Expert Panel for RUNX1: BA1, BP4.

PreventionGenetics, part of Exact Sciences
Classification: Benign for RUNX1-related condition. Last evaluated: 2026-04-13. Review status: criteria provided, single submitter. Criteria: ACMG Guidelines, 2015. Collection method: clinical testing. Allele origin: germline. Not counted in ClinVar's aggregate classification.
Comment: This variant is classified as benign based on ACMG/AMP sequence variant interpretation guidelines (Richards et al. 2015 PMID: 25741868, with internal and published modifications).

Labcorp Genetics (formerly Invitae), Labcorp
Classification: Likely benign for Hereditary thrombocytopenia and hematological cancer predisposition syndrome associated with RUNX1. Last evaluated: 2025-07-10. Review status: criteria provided, single submitter. Criteria: Invitae Variant Classification Sherloc (09022015). Collection method: clinical testing. Allele origin: germline. Not counted in ClinVar's aggregate classification.

Ambry Genetics
Classification: Likely benign for Inborn genetic diseases. Last evaluated: 2024-06-28. Review status: criteria provided, single submitter. Criteria: Ambry Variant Classification Scheme 2023. Collection method: clinical testing. Allele origin: germline. Not counted in ClinVar's aggregate classification.

Genetic Services Laboratory, University of Chicago
Classification: Uncertain significance. Last evaluated: 2019-06-06. Review status: criteria provided, single submitter. Criteria: ACMG Guidelines, 2015. Collection method: clinical testing. Allele origin: germline. Affected: no. Not counted in ClinVar's aggregate classification.